The following is an entry in ClinVar:

ClinVar aggregate classification (germline): Conflicting classifications of pathogenicity. Review status: criteria provided, conflicting classifications (1 of 4 stars). 2 submissions from 2 submitters: Uncertain significance (1); Likely benign (1). Last evaluated 2024-01-10.

Conditions:
Arrhythmogenic right ventricular dysplasia 8 (ARVD8). Also called: Arrhythmogenic Right Ventricular Dysplasia/Cardiomyopathy 8; ARRHYTHMOGENIC RIGHT VENTRICULAR DYSPLASIA, FAMILIAL, 8; ARRHYTHMOGENIC RIGHT VENTRICULAR CARDIOMYOPATHY 8. Identifiers: MedGen C1843896, MONDO:0011831, OMIM 607450.
Arrhythmogenic cardiomyopathy with wooly hair and keratoderma. Also called: Arrhythmogenic cardiomyopathy with woolly hair and keratoderma; Carvajal syndrome; Dilated cardiomyopathy with woolly hair and keratoderma; PALMOPLANTAR KERATODERMA WITH LEFT VENTRICULAR CARDIOMYOPATHY AND WOOLLY HAIR. Identifiers: Orphanet 65282, MedGen C1854063, MONDO:0011581, OMIM 605676.

Submissions (2):

Labcorp Genetics (formerly Invitae), Labcorp
Classification: Likely benign for Arrhythmogenic cardiomyopathy with wooly hair and keratoderma; Arrhythmogenic right ventricular dysplasia 8. Last evaluated: 2024-01-10. Review status: criteria provided, single submitter. Criteria: Invitae Variant Classification Sherloc (09022015). Collection method: clinical testing. Allele origin: germline.

All of Us Research Program, National Institutes of Health
Classification: Uncertain significance for Arrhythmogenic cardiomyopathy with wooly hair and keratoderma. Last evaluated: 2023-08-28. Review status: criteria provided, single submitter. Criteria: ACMG Guidelines, 2015. Collection method: clinical testing. Allele origin: germline. Inheritance: Autosomal dominant inheritance. Observed: 1 variant allele, 1 heterozygote.
Comment: This variant is located in the DSP protein. To our knowledge, functional studies have not been reported for this variant. This variant has not been reported in individuals affected with DSP-related disorders in the literature. This variant has not been identified in the general population by the Genome Aggregation Database (gnomAD). The available evidence is insufficient to determine the role of this variant in disease conclusively. Therefore, this variant is classified as a Variant of Uncertain Significance.

This study involves interpretation of variants in research participants for the purpose of population health screening. Participant phenotype was not available at the time of variant classification. Additional details can be found in publication PMID: 35346344, PMCID: PMC8962531

NM_004415.4(DSP):c.3501G>A (p.Lys1167=)

Gene: DSP (desmoplakin; plus strand). Cytogenetic location: 6p24.3.
Variant type: single nucleotide variant.
Coding change: c.3501G>A on transcript NM_004415.4 (MANE Select); coding-DNA position 3501, G replaced by A.
Protein change: p.Lys1167=; no amino-acid change (lysine 1167 retained).
Molecular consequence: synonymous variant.
Genome position (GRCh38, 1-based): chr6:7,579,691, G>A. VCF-style: chr6-7579691-G-A. GRCh37 (hg19) VCF-style: chr6-7579924-G-A.
Other names: c.3501G>A, p.Lys1167= (NM_001008844.3, NM_001319034.2).
Identifiers: ClinVar variation 2922105 (VCV002922105.4), dbSNP rs1181074160, ClinGen allele CA448714191.